The following is an entry in ClinVar:

NM_001170629.2(CHD8):c.1717-21dup

Gene: CHD8 (chromodomain helicase DNA binding protein 8; minus strand). Cytogenetic location: 14q11.2.
Variant type: Duplication.
Coding change: c.1717-21dup on transcript NM_001170629.2 (MANE Select); 21 bases into the intron before coding-DNA position 1717, one base duplicated (T; older notation c.1717-21dupT).
Molecular consequence: intron variant.
Genome position (GRCh38, 1-based): chr14:21,415,928, A duplicated on the plus strand (T on the coding strand, the reverse complement: CHD8 is on the minus strand). VCF-style (leftmost placement, unchanged base first): chr14-21415927-T-TA. GRCh37 (hg19) VCF-style: chr14-21884086-T-TA.
Other names: c.1717-21dupT (NM_001170629.2); c.880-21dup (NM_020920.4).
Identifiers: ClinVar variation 2637603 (VCV002637603.1), dbSNP rs780029147, ClinGen allele CA7091721.

ClinVar aggregate classification (germline): Likely benign (1 of 4 stars; one submission).

Allele frequency attached by ClinVar (database versions not stated): gnomAD 0.00002; TOPMed 0.00002; ExAC 0.00003; gnomAD exomes 0.00004.

Submission:

Women's Health and Genetics/Laboratory Corporation of America, LabCorp
Classification: Likely benign. Last evaluated: 2023-10-05. Review status: criteria provided, single submitter. Criteria: LabCorp Variant Classification Summary - May 2015. Collection method: clinical testing. Allele origin: germline.
Comment: Variant summary: CHD8 c.1717-21dupT is located at a position not widely known to affect splicing. Consensus agreement among computation tools predict no significant impact on normal splicing. However, these predictions have yet to be confirmed by functional studies. The variant allele was found at a frequency of 1.7e-05 in 238122 control chromosomes. The available data on variant occurrences in the general population are insufficient to allow any conclusion about variant significance. To our knowledge, no occurrence of c.1717-21dupT in individuals affected with CHD8-Related Disorders and no experimental evidence demonstrating its impact on protein function have been reported. No submitters have cited clinical-significance assessments for this variant to ClinVar after 2014. Based on the evidence outlined above, the variant was classified as likely benign.